The following is an entry in ClinVar:

ClinVar aggregate classification (germline): Uncertain significance (1 of 4 stars; one submission).

Conditions:
Dyskeratosis congenita. Identifiers: Orphanet 1775, MedGen C0265965, MONDO:0015780.

Submission:

Ambry Genetics
Classification: Uncertain significance for Dyskeratosis congenita. Last evaluated: 2024-01-22. Review status: criteria provided, single submitter. Criteria: Ambry Variant Classification Scheme 2023. Collection method: clinical testing. Allele origin: germline.
Comment: The p.E648Q variant (also known as c.1942G>C), located in coding exon 4 of the TERT gene, results from a G to C substitution at nucleotide position 1942. The glutamic acid at codon 648 is replaced by glutamine, an amino acid with highly similar properties. This amino acid position is conserved. In addition, this alteration is predicted to be tolerated by in silico analysis. Based on the available evidence, the clinical significance of this alteration remains unclear.

NM_198253.3(TERT):c.1942G>C (p.Glu648Gln)

Gene: TERT (telomerase reverse transcriptase; minus strand). Cytogenetic location: 5p15.33.
Variant type: single nucleotide variant.
Coding change: c.1942G>C on transcript NM_198253.3 (MANE Select); coding-DNA position 1942, G replaced by C.
Protein change: p.Glu648Gln; replaces glutamic acid 648 with glutamine.
Molecular consequence: missense variant. On other transcripts: non-coding transcript variant (2).
Genome position (GRCh38, 1-based): chr5:1,280,166, C>G on the plus strand (G>C on the coding strand, the complement: TERT is on the minus strand). VCF-style: chr5-1280166-C-G. GRCh37 (hg19) VCF-style: chr5-1280281-C-G.
Other names: c.1942G>C, p.Glu648Gln (NM_001193376.3, NM_003219.1); short protein forms E648Q.
Identifiers: ClinVar variation 3238530 (VCV003238530.1), dbSNP rs2478283855.